The following is an entry in ClinVar:

ClinVar aggregate classification (germline): Uncertain significance. Review status: criteria provided, multiple submitters, no conflicts (2 of 4 stars). 2 submissions from 2 submitters: Uncertain significance (2). Last evaluated 2026-03-27.

Conditions:
Cardiovascular phenotype. Identifiers: MedGen CN230736.

Submissions (2):

Molecular Diagnostic Laboratory for Inherited Cardiovascular Disease, Montreal Heart Institute
Classification: Uncertain significance for Cardiovascular phenotype. Last evaluated: 2026-03-27. Review status: criteria provided, single submitter. Criteria: ACMG Guidelines, 2015. Collection method: clinical testing. Allele origin: germline. Affected: yes.
Comment: PM2

Ambry Genetics
Classification: Uncertain significance for Cardiovascular phenotype. Last evaluated: 2021-05-27. Review status: criteria provided, single submitter. Criteria: Ambry Variant Classification Scheme 2023. Collection method: clinical testing. Allele origin: germline.
Comment: The p.E508A variant (also known as c.1523A>C), located in coding exon 9 of the FLNC gene, results from an A to C substitution at nucleotide position 1523. The glutamic acid at codon 508 is replaced by alanine, an amino acid with dissimilar properties. This amino acid position is well conserved in available vertebrate species. In addition, the in silico prediction for this alteration is inconclusive. Since supporting evidence is limited at this time, the clinical significance of this alteration remains unclear.

NM_001458.5(FLNC):c.1523A>C (p.Glu508Ala)

Gene: FLNC (filamin C; plus strand). Cytogenetic location: 7q32.1.
Variant type: single nucleotide variant.
Coding change: c.1523A>C on transcript NM_001458.5 (MANE Select); coding-DNA position 1523, A replaced by C.
Protein change: p.Glu508Ala; replaces glutamic acid 508 with alanine.
Molecular consequence: missense variant.
Genome position (GRCh38, 1-based): chr7:128,840,134, A>C. VCF-style: chr7-128840134-A-C. GRCh37 (hg19) VCF-style: chr7-128480188-A-C.
Other names: c.1523A>C, p.Glu508Ala (NM_001127487.2); short protein forms E508A.
Identifiers: ClinVar variation 1774470 (VCV001774470.3), dbSNP rs2536624892, ClinGen allele CA369225819.